The following is an entry in ClinVar:

ClinVar aggregate classification (germline): Likely pathogenic. Review status: criteria provided, multiple submitters, no conflicts (2 of 4 stars). 2 submissions from 2 submitters: Likely pathogenic (2). Last evaluated 2023-11-21.

Conditions:
Phenylketonuria (PKU). Also called: Phenylketonuria (PKU); OLIGOPHRENIA PHENYLPYRUVICA; FOLLING DISEASE; Phenylketonurias. Identifiers: Orphanet 716, MedGen C0031485, MONDO:0009861, OMIM 261600. Disease mechanism: loss of function.

gnomAD v4.1: 3 of 1,614,202 alleles (0.00019%); highest among the groups gnomAD compares: Non-Finnish European, 0.00025%; no homozygotes.

Submissions (2):

GeneDx
Classification: Likely pathogenic. Last evaluated: 2023-11-21. Review status: criteria provided, single submitter. Criteria: GeneDx Variant Classification Process June 2021. Collection method: clinical testing. Allele origin: germline. Affected: yes.
Comment: Has not been previously published as pathogenic or benign to our knowledge; Not observed in large population cohorts (gnomAD); In silico analysis, which includes protein predictors and evolutionary conservation, supports that this variant does not alter protein structure/function; This variant is associated with the following publications: (PMID: 32668217, 30747360)

Labcorp Genetics (formerly Invitae), Labcorp
Classification: Likely pathogenic for Phenylketonuria. Last evaluated: 2022-04-06. Review status: criteria provided, single submitter. Criteria: Invitae Variant Classification Sherloc (09022015). Collection method: clinical testing. Allele origin: germline.
Comment: In summary, the currently available evidence indicates that the variant is pathogenic, but additional data are needed to prove that conclusively. Therefore, this variant has been classified as Likely Pathogenic. This variant disrupts the p.Ile224 amino acid residue in PAH. Other variant(s) that disrupt this residue have been determined to be pathogenic (PMID: 32668217). This suggests that this residue is clinically significant, and that variants that disrupt this residue are likely to be disease-causing. Advanced modeling of protein sequence and biophysical properties (such as structural, functional, and spatial information, amino acid conservation, physicochemical variation, residue mobility, and thermodynamic stability) performed at Invitae indicates that this missense variant is expected to disrupt PAH protein function. This missense change has been observed in individual(s) with a positive newborn screening result for PAH-related disease (PMID: 30747360). This variant is not present in population databases (gnomAD no frequency). This sequence change replaces isoleucine, which is neutral and non-polar, with leucine, which is neutral and non-polar, at codon 224 of the PAH protein (p.Ile224Leu).

Literature cited by the submitters: PubMed 32668217 (cited by Labcorp Genetics (formerly Invitae), Labcorp); PubMed 30747360 (cited by Labcorp Genetics (formerly Invitae), Labcorp).

NM_000277.3(PAH):c.670A>C (p.Ile224Leu)

Gene: PAH (phenylalanine hydroxylase; minus strand). Cytogenetic location: 12q23.2.
Variant type: single nucleotide variant.
Coding change: c.670A>C on transcript NM_000277.3 (MANE Select); coding-DNA position 670, A replaced by C.
Protein change: p.Ile224Leu; replaces isoleucine 224 with leucine.
Molecular consequence: missense variant.
Genome position (GRCh38, 1-based): chr12:102,855,172, T>G on the plus strand (A>C on the coding strand, the complement: PAH is on the minus strand). VCF-style: chr12-102855172-T-G. GRCh37 (hg19) VCF-style: chr12-103248950-T-G.
Other names: c.670A>C, p.Ile224Leu (NM_001354304.2); c.670A>C (NM_000277.1); short protein forms I224L.
Identifiers: ClinVar variation 2139677 (VCV002139677.5), dbSNP rs2499625917, ClinGen allele CA386296594.